The following is an entry in ClinVar:

NM_020822.3(KCNT1):c.962C>T (p.Thr321Met)

Gene: KCNT1 (potassium sodium-activated channel subfamily T member 1; plus strand). Cytogenetic location: 9q34.3.
Variant type: single nucleotide variant.
Coding change: c.962C>T on transcript NM_020822.3 (MANE Select); coding-DNA position 962, C replaced by T.
Protein change: p.Thr321Met; replaces threonine 321 with methionine.
Molecular consequence: missense variant.
Genome position (GRCh38, 1-based): chr9:135,759,786, C>T. VCF-style: chr9-135759786-C-T. GRCh37 (hg19) VCF-style: chr9-138651632-C-T.
Other names: c.827C>T, p.Thr276Met (NM_001272003.2); short protein forms T276M, T321M.
Identifiers: ClinVar variation 652712 (VCV000652712.11), dbSNP rs1588330851, ClinGen allele CA375498583.
Genomic context (GRCh38, chr9:135,759,786, plus strand): 5'-TCCTGACCTCCTTCTACTTCTGCATCGTCACCTTCTCCACCGTGGGCTACGGTGACGTCA[C>T]GCCCAAGATCTGGCCATCGCAGCTGCTGGTGGTCATCATGATCTGCGTGGCCCTCGTGGT-3'
Protein context (NP_065873.2, residues 311-331): TFSTVGYGDV[Thr321Met]PKIWPSQLLV

ClinVar aggregate classification (germline): Uncertain significance. Review status: criteria provided, multiple submitters, no conflicts (2 of 4 stars). 2 submissions from 2 submitters: Uncertain significance (2). Last evaluated 2024-02-17.

Conditions:
Autosomal dominant nocturnal frontal lobe epilepsy 5. Also called: Epilepsy, nocturnal frontal lobe, 5; KCNT1-Related Epilepsy; CILIARY DYSKINESIA, PRIMARY, 28, WITHOUT SITUS INVERSUS; CILIARY DYSKINESIA, PRIMARY, 28, WITH SITUS INVERSUS. Identifiers: Orphanet 98784, MedGen C3554306, MONDO:0014002, OMIM 615005.
Developmental and epileptic encephalopathy, 14 (DEE14). Also called: Early infantile epileptic encephalopathy 14. Identifiers: Orphanet 293181, MedGen C3554195, MONDO:0013989, OMIM 614959.
Inborn genetic diseases. Identifiers: MedGen C0950123, MeSH D030342.

Allele frequency attached by ClinVar (database versions not stated): gnomAD exomes below 0.00001; TOPMed below 0.00001.
gnomAD v4.1: 4 of 1,613,552 alleles (0.00025%); highest among the groups gnomAD compares: Non-Finnish European, 0.00034%; no homozygotes.

Submissions (2):

Labcorp Genetics (formerly Invitae), Labcorp
Classification: Uncertain significance for Autosomal dominant nocturnal frontal lobe epilepsy 5; Developmental and epileptic encephalopathy, 14. Last evaluated: 2024-02-17. Review status: criteria provided, single submitter. Criteria: Invitae Variant Classification Sherloc (09022015). Collection method: clinical testing. Allele origin: germline.
Comment: This sequence change replaces threonine, which is neutral and polar, with methionine, which is neutral and non-polar, at codon 321 of the KCNT1 protein (p.Thr321Met). This variant is not present in population databases (gnomAD no frequency). This missense change has been observed in individual(s) with clinical features of KCNT1-related conditions (Invitae). ClinVar contains an entry for this variant (Variation ID: 652712). Advanced modeling of protein sequence and biophysical properties (such as structural, functional, and spatial information, amino acid conservation, physicochemical variation, residue mobility, and thermodynamic stability) performed at Invitae indicates that this missense variant is not expected to disrupt KCNT1 protein function with a negative predictive value of 80%. In summary, the available evidence is currently insufficient to determine the role of this variant in disease. Therefore, it has been classified as a Variant of Uncertain Significance.

Ambry Genetics
Classification: Uncertain significance for Inborn genetic diseases. Last evaluated: 2019-11-22. Review status: criteria provided, single submitter. Criteria: Ambry Variant Classification Scheme 2023. Collection method: clinical testing. Allele origin: germline.
Comment: The p.T321M variant (also known as c.962C>T), located in coding exon 11 of the KCNT1 gene, results from a C to T substitution at nucleotide position 962. The threonine at codon 321 is replaced by methionine, an amino acid with similar properties. This amino acid position is highly conserved in available vertebrate species. In addition, this alteration is predicted to be deleterious by in silico analysis. Since supporting evidence is limited at this time, the clinical significance of this alteration remains unclear.